The following is an entry in ClinVar:

NM_014225.6(PPP2R1A):c.1588G>A (p.Gly530Arg)

Genes: PPP2R1A (protein phosphatase 2 scaffold subunit Aalpha; plus strand), LOC126862924 (BRD4-independent group 4 enhancer GRCh37_chr19:52724813-52726012; plus strand). Cytogenetic location: 19q13.41.
Variant type: single nucleotide variant.
Coding change: c.1588G>A on transcript NM_014225.6 (MANE Select); coding-DNA position 1588, G replaced by A.
Protein change: p.Gly530Arg; replaces glycine 530 with arginine.
Molecular consequence: missense variant. On other transcripts: non-coding transcript variant (1).
Genome position (GRCh38, 1-based): chr19:52,222,168, G>A. VCF-style: chr19-52222168-G-A. GRCh37 (hg19) VCF-style: chr19-52725421-G-A.
Other names: c.1051G>A, p.Gly351Arg (NM_001363656.2); short protein forms G351R, G530R.
Identifiers: ClinVar variation 2750211 (VCV002750211.3), dbSNP rs766471656, ClinGen allele CA9621643.

ClinVar aggregate classification (germline): Uncertain significance (1 of 4 stars; one submission).

Allele frequency attached by ClinVar (database versions not stated): gnomAD exomes below 0.00001; ExAC 0.00001.

Submission:

Labcorp Genetics (formerly Invitae), Labcorp
Classification: Uncertain significance. Last evaluated: 2023-09-05. Review status: criteria provided, single submitter. Criteria: Invitae Variant Classification Sherloc (09022015). Collection method: clinical testing. Allele origin: germline.
Comment: In summary, the available evidence is currently insufficient to determine the role of this variant in disease. Therefore, it has been classified as a Variant of Uncertain Significance. Advanced modeling of protein sequence and biophysical properties (such as structural, functional, and spatial information, amino acid conservation, physicochemical variation, residue mobility, and thermodynamic stability) performed at Invitae indicates that this missense variant is not expected to disrupt PPP2R1A protein function. This variant has not been reported in the literature in individuals affected with PPP2R1A-related conditions. This variant is present in population databases (rs766471656, gnomAD 0.003%). This sequence change replaces glycine, which is neutral and non-polar, with arginine, which is basic and polar, at codon 530 of the PPP2R1A protein (p.Gly530Arg).